The following is an entry in ClinVar:

NM_177438.3(DICER1):c.4815T>C (p.Pro1605=)

Gene: DICER1 (dicer 1, ribonuclease III; minus strand). Cytogenetic location: 14q32.13.
Variant type: single nucleotide variant.
Coding change: c.4815T>C on transcript NM_177438.3 (MANE Select); coding-DNA position 4815, T replaced by C.
Protein change: p.Pro1605=; no amino-acid change (proline 1605 retained).
Molecular consequence: synonymous variant.
Genome position (GRCh38, 1-based): chr14:95,096,105, A>G on the plus strand (T>C on the coding strand, the complement: DICER1 is on the minus strand). VCF-style: chr14-95096105-A-G. GRCh37 (hg19) VCF-style: chr14-95562442-A-G.
Other names: c.4815T>C, p.Pro1605= (NM_001195573.1, NM_001271282.3, NM_001291628.2 and 1 more transcripts).
Identifiers: ClinVar variation 417093 (VCV000417093.24), dbSNP rs1060504976, ClinGen allele CA16614172.

ClinVar aggregate classification (germline): Benign/Likely benign. Review status: criteria provided, multiple submitters, no conflicts (2 of 4 stars). 4 submissions from 4 submitters: Benign (1); Likely benign (3). Last evaluated 2026-04-20.

Conditions:
Hereditary cancer-predisposing syndrome. Also called: Hereditary Cancer Syndrome; Neoplastic Syndromes, Hereditary; Hereditary neoplastic syndrome; Tumor predisposition. Identifiers: Orphanet 140162, MedGen C0027672, MeSH D009386, MONDO:0015356.
DICER1-related tumor predisposition. Also called: DICER1-related pleuropulmonary blastoma cancer predisposition syndrome; DICER1 syndrome. Identifiers: Orphanet 284343, MedGen C3839822, MONDO:0100216.

Allele frequency attached by ClinVar (database versions not stated): gnomAD exomes below 0.00001; TOPMed 0.00001; gnomAD 0.00001.
gnomAD v4.1: 4 of 1,614,114 alleles (0.00025%); highest among the groups gnomAD compares: Non-Finnish European, 0.00025%; no homozygotes.

Submissions (4):

Myriad Genetics, Inc.
Classification: Benign for DICER1-related tumor predisposition. Last evaluated: 2026-04-20. Review status: criteria provided, single submitter. Criteria: Myriad Autosomal Dominant, Autosomal Recessive and X-Linked Classification Criteria (2023). Collection method: clinical testing. Allele origin: unknown.
Comment: This variant is considered benign. This variant is a silent/synonymous amino acid change and it is not expected to impact splicing.

Labcorp Genetics (formerly Invitae), Labcorp
Classification: Likely benign for DICER1-related tumor predisposition. Last evaluated: 2025-09-14. Review status: criteria provided, single submitter. Criteria: Invitae Variant Classification Sherloc (09022015). Collection method: clinical testing. Allele origin: germline.

Center for Genomic Medicine, Rigshospitalet, Copenhagen University Hospital
Classification: Likely benign. Last evaluated: 2025-03-04. Review status: criteria provided, single submitter. Criteria: ACMG Guidelines, 2015. Collection method: clinical testing. Allele origin: germline.

Ambry Genetics
Classification: Likely benign for Hereditary cancer-predisposing syndrome. Last evaluated: 2018-08-23. Review status: criteria provided, single submitter. Criteria: Ambry Variant Classification Scheme 2023. Collection method: clinical testing. Allele origin: germline.